The following is an entry in ClinVar:

NM_012463.4(ATP6V0A2):c.769G>A (p.Glu257Lys)

Gene: ATP6V0A2 (ATPase H+ transporting V0 subunit a2; plus strand). Cytogenetic location: 12q24.31.
Variant type: single nucleotide variant.
Coding change: c.769G>A on transcript NM_012463.4 (MANE Select); coding-DNA position 769, G replaced by A.
Protein change: p.Glu257Lys; replaces glutamic acid 257 with lysine.
Molecular consequence: missense variant.
Genome position (GRCh38, 1-based): chr12:123,735,568, G>A. VCF-style: chr12-123735568-G-A. GRCh37 (hg19) VCF-style: chr12-124220115-G-A.
Other names: c.769G>A (NM_012463.3); short protein forms E257K.
Identifiers: ClinVar variation 1909895 (VCV001909895.3), dbSNP rs116343742, ClinGen allele CA6861729.

ClinVar aggregate classification (germline): Uncertain significance. Review status: criteria provided, multiple submitters, no conflicts (2 of 4 stars). 2 submissions from 2 submitters: Uncertain significance (2). Last evaluated 2023-05-17.

Conditions:
ALG9 congenital disorder of glycosylation (CDG1L). Also called: CDG Il; ALG9-CDG; CONGENITAL DISORDER OF GLYCOSYLATION, TYPE Il. Identifiers: Orphanet 79328, MedGen C2931006, MONDO:0012117, OMIM 608776.

Allele frequency attached by ClinVar (database versions not stated): gnomAD exomes 0.00005; ExAC 0.00024; ESP Exome Variant Server 0.00031; gnomAD 0.00044; TOPMed 0.00047; 1000 Genomes Project 30x 0.00078; 1000 Genomes Project 0.00080.

Submissions (2):

GeneDx
Classification: Uncertain significance. Last evaluated: 2023-05-17. Review status: criteria provided, single submitter. Criteria: GeneDx Variant Classification Process June 2021. Collection method: clinical testing. Allele origin: germline. Affected: yes.
Comment: In silico analysis supports that this missense variant does not alter protein structure/function; Has not been previously published as pathogenic or benign to our knowledge

Labcorp Genetics (formerly Invitae), Labcorp
Classification: Uncertain significance for ALG9 congenital disorder of glycosylation. Last evaluated: 2022-06-24. Review status: criteria provided, single submitter. Criteria: Invitae Variant Classification Sherloc (09022015). Collection method: clinical testing. Allele origin: germline.
Comment: This sequence change replaces glutamic acid, which is acidic and polar, with lysine, which is basic and polar, at codon 257 of the ATP6V0A2 protein (p.Glu257Lys). This variant is present in population databases (rs116343742, gnomAD 0.1%). This variant has not been reported in the literature in individuals affected with ATP6V0A2-related conditions. Algorithms developed to predict the effect of missense changes on protein structure and function are either unavailable or do not agree on the potential impact of this missense change (SIFT: "Tolerated"; PolyPhen-2: "Possibly Damaging"; Align-GVGD: "Class C0"). In summary, the available evidence is currently insufficient to determine the role of this variant in disease. Therefore, it has been classified as a Variant of Uncertain Significance.